The following is an entry in ClinVar:

ClinVar aggregate classification (germline): Uncertain significance (1 of 4 stars; one submission).

gnomAD v4.1: 9 of 1,211,707 alleles (0.00074%); highest among the groups gnomAD compares: Admixed American, 0.0087%; no homozygotes.

Submission:

Labcorp Genetics (formerly Invitae), Labcorp
Classification: Uncertain significance. Last evaluated: 2024-11-13. Review status: criteria provided, single submitter. Criteria: Invitae Variant Classification Sherloc (09022015). Collection method: clinical testing. Allele origin: germline.
Comment: This sequence change replaces arginine, which is basic and polar, with glutamine, which is neutral and polar, at codon 203 of the MID1 protein (p.Arg203Gln). This variant is present in population databases (rs754279780, gnomAD 0.008%). This missense change has been observed in individual(s) with clinical features of MID1-related conditions (PMID: 37498300). Invitae Evidence Modeling of protein sequence and biophysical properties (such as structural, functional, and spatial information, amino acid conservation, physicochemical variation, residue mobility, and thermodynamic stability) indicates that this missense variant is not expected to disrupt MID1 protein function with a negative predictive value of 80%. In summary, the available evidence is currently insufficient to determine the role of this variant in disease. Therefore, it has been classified as a Variant of Uncertain Significance.

Literature cited by the submitters: PubMed 37498300.

NM_000381.4(MID1):c.608G>A (p.Arg203Gln)

Gene: MID1 (midline 1; minus strand). Cytogenetic location: Xp22.2.
Variant type: single nucleotide variant.
Coding change: c.608G>A on transcript NM_000381.4 (MANE Select); coding-DNA position 608, G replaced by A.
Protein change: p.Arg203Gln; replaces arginine 203 with glutamine.
Molecular consequence: missense variant. On other transcripts: intron variant (2).
Genome position (GRCh38, 1-based): chrX:10,566,940, C>T on the plus strand (G>A on the coding strand, the complement: MID1 is on the minus strand). VCF-style: chrX-10566940-C-T. GRCh37 (hg19) VCF-style: chrX-10534980-C-T.
Other names: c.608G>A, p.Arg203Gln (NM_001098624.2, NM_001193277.1, NM_001193278.1 and 3 more transcripts); c.546+62G>A (NM_033289.2, NM_001193280.1); short protein forms R203Q.
Identifiers: ClinVar variation 3603452 (VCV003603452.1).
Genomic context (GRCh38, chrX:10,566,940, plus strand): 5'-GGACTAACCTTCAATTTGTCATAGCGCTCACTCAAAGCTGCCACCTGATGATCGCGGTGC[C>T]GCCCAACCAGTTTACACAAGGCACAGATTAACTGGTCATCGGTCACACAGTACATATTCA-3'
Protein context (NP_000372.1, residues 193-213): LICALCKLVG[Arg203Gln]HRDHQVAALS